The following is an entry in ClinVar:

ClinVar aggregate classification (germline): Uncertain significance. Review status: criteria provided, multiple submitters, no conflicts (2 of 4 stars). 2 submissions from 2 submitters: Uncertain significance (2). Last evaluated 2024-10-16.

Conditions:
Familial thoracic aortic aneurysm and aortic dissection (TAAD). Also called: Thoracic aortic aneurysms and dissections. Identifiers: Orphanet 91387, MedGen C4707243, MONDO:0019625.
Marfan syndrome (MFS). Also called: Marfan syndrome, classic; Marfan syndrome type 1; Marfan's syndrome; FBN1-Related Marfan Syndrome; MARFAN SYNDROME, TYPE I. Identifiers: Orphanet 284963, Orphanet 558, MedGen C0024796, MONDO:0007947, OMIM 154700.

Allele frequency attached by ClinVar (database versions not stated): gnomAD exomes below 0.00001.

Submissions (2):

Labcorp Genetics (formerly Invitae), Labcorp
Classification: Uncertain significance for Marfan syndrome; Familial thoracic aortic aneurysm and aortic dissection. Last evaluated: 2024-10-16. Review status: criteria provided, single submitter. Criteria: Invitae Variant Classification Sherloc (09022015). Collection method: clinical testing. Allele origin: germline.
Comment: This sequence change replaces glutamic acid, which is acidic and polar, with lysine, which is basic and polar, at codon 575 of the FBN1 protein (p.Glu575Lys). This variant is present in population databases (no rsID available, gnomAD 0.003%). This missense change has been observed in individual(s) with clinical features of Marfan syndrome (internal data). ClinVar contains an entry for this variant (Variation ID: 929149). Invitae Evidence Modeling of protein sequence and biophysical properties (such as structural, functional, and spatial information, amino acid conservation, physicochemical variation, residue mobility, and thermodynamic stability) indicates that this missense variant is expected to disrupt FBN1 protein function with a positive predictive value of 95%. In summary, the available evidence is currently insufficient to determine the role of this variant in disease. Therefore, it has been classified as a Variant of Uncertain Significance.

Women's Health and Genetics/Laboratory Corporation of America, LabCorp
Classification: Uncertain significance. Last evaluated: 2023-09-11. Review status: criteria provided, single submitter. Criteria: LabCorp Variant Classification Summary - May 2015. Collection method: clinical testing. Allele origin: germline.
Comment: Variant summary: FBN1 c.1723G>A (p.Glu575Lys) results in a conservative amino acid change located in the EGF-like calcium-binding domain (IPR001881) of the encoded protein sequence. Four of five in-silico tools predict a damaging effect of the variant on protein function. The variant allele was found at a frequency of 4e-06 in 251096 control chromosomes. The available data on variant occurrences in the general population are insufficient to allow any conclusion about variant significance. To our knowledge, no occurrence of c.1723G>A in individuals affected with Marfan Syndrome and no experimental evidence demonstrating its impact on protein function have been reported. One submitter has cited clinical-significance assessments for this variant to ClinVar after 2014 and has classified the variant as uncertain significance. Based on the evidence outlined above, the variant was classified as uncertain significance.

NM_000138.5(FBN1):c.1723G>A (p.Glu575Lys)

Gene: FBN1 (fibrillin 1; minus strand). Cytogenetic location: 15q21.1.
Variant type: single nucleotide variant.
Coding change: c.1723G>A on transcript NM_000138.5 (MANE Select); coding-DNA position 1723, G replaced by A.
Protein change: p.Glu575Lys; replaces glutamic acid 575 with lysine.
Molecular consequence: missense variant.
Genome position (GRCh38, 1-based): chr15:48,508,696, C>T on the plus strand (G>A on the coding strand, the complement: FBN1 is on the minus strand). VCF-style: chr15-48508696-C-T. GRCh37 (hg19) VCF-style: chr15-48800893-C-T.
Other names: short protein forms E575K.
Identifiers: ClinVar variation 929149 (VCV000929149.10), dbSNP rs1259811604, ClinGen allele CA392340670.
Genomic context (GRCh38, chr15:48,508,696, plus strand): 5'-TAAAACTGCCATCTTCATTGATACACATTCCATTAAGGCACATGTTCCTTATGCTGCATT[C>T]ATCCATATCTGAAAATACAAAACATACATTTTCTTATGACCAGAAGAGTAAGCTTACGAA-3'
Protein context (NP_000129.3, residues 565-585): RDGKNCEDMD[Glu575Lys]CSIRNMCLNG